The following is an entry in ClinVar:

NM_058216.3(RAD51C):c.602T>G (p.Leu201Arg)

Genes: RAD51C (RAD51 paralog C; plus strand), LOC129390903 (MPRA-validated peak2919 silencer; plus strand). Cytogenetic location: 17q22.
Variant type: single nucleotide variant.
Coding change: c.602T>G on transcript NM_058216.3 (MANE Select); coding-DNA position 602, T replaced by G.
Protein change: p.Leu201Arg; replaces leucine 201 with arginine.
Molecular consequence: missense variant. On other transcripts: non-coding transcript variant (1).
Genome position (GRCh38, 1-based): chr17:58,703,226, T>G. VCF-style: chr17-58703226-T-G. GRCh37 (hg19) VCF-style: chr17-56780587-T-G.
Other names: c.*30T>G (NM_058217.1); short protein forms L201R.
Identifiers: ClinVar variation 1719318 (VCV001719318.6), dbSNP rs587780839, ClinGen allele CA400349255.
Genomic context (GRCh38, chr17:58,703,226, plus strand): 5'-AAACTAATTAAGAGTGTTTTGTTGTTTCAGAACACCGAAAAGCTTTGGAGGATTTCACTC[T>G]TGATAATATTCTTTCTCATATTTATTATTTTCGCTGTCGTGACTACACAGAGTTACTGGC-3'
Protein context (NP_478123.1, residues 191-211): EHRKALEDFT[Leu201Arg]DNILSHIYYF

ClinVar aggregate classification (germline): Uncertain significance (1 of 4 stars; one submission).

Conditions:
Fanconi anemia complementation group O. Also called: RAD51C-Related Fanconi Anemia. Identifiers: Orphanet 84, MedGen C3150653, MONDO:0013248, OMIM 613390.

Submission:

Labcorp Genetics (formerly Invitae), Labcorp
Classification: Uncertain significance for Fanconi anemia complementation group O. Last evaluated: 2024-11-30. Review status: criteria provided, single submitter. Criteria: Invitae Variant Classification Sherloc (09022015). Collection method: clinical testing. Allele origin: germline.
Comment: This sequence change replaces leucine, which is neutral and non-polar, with arginine, which is basic and polar, at codon 201 of the RAD51C protein (p.Leu201Arg). This variant is not present in population databases (gnomAD no frequency). This variant has not been reported in the literature in individuals affected with RAD51C-related conditions. ClinVar contains an entry for this variant (Variation ID: 1719318). Invitae Evidence Modeling of protein sequence and biophysical properties (such as structural, functional, and spatial information, amino acid conservation, physicochemical variation, residue mobility, and thermodynamic stability) indicates that this missense variant is not expected to disrupt RAD51C protein function with a negative predictive value of 80%. In summary, the available evidence is currently insufficient to determine the role of this variant in disease. Therefore, it has been classified as a Variant of Uncertain Significance.